The following is an entry in ClinVar:

ClinVar aggregate classification (germline): Uncertain significance (1 of 4 stars; one submission).

Conditions:
Charcot-Marie-Tooth disease recessive intermediate C. Also called: CHARCOT-MARIE-TOOTH NEUROPATHY, RECESSIVE INTERMEDIATE C. Identifiers: Orphanet 369867, MedGen C3809309, MONDO:0014154, OMIM 615376.
Neuronopathy, distal hereditary motor, autosomal recessive 4. Also called: Autosomal recessive lower motor neuron disease with childhood onset; NEUROPATHY, DISTAL HEREDITARY MOTOR, AUTOSOMAL RECESSIVE 4. Identifiers: Orphanet 206580, MedGen C1970211, MONDO:0012608, OMIM 611067.

Allele frequency attached by ClinVar (database versions not stated): gnomAD exomes below 0.00001 and 0.00001; TOPMed below 0.00001; ExAC 0.00002; gnomAD 0.00002.
gnomAD v4.1: 9 of 1,606,516 alleles (0.00056%); highest among the groups gnomAD compares: African/African-American, 0.011%; no homozygotes.

Submission:

Labcorp Genetics (formerly Invitae), Labcorp
Classification: Uncertain significance for Neuronopathy, distal hereditary motor, autosomal recessive 4; Charcot-Marie-Tooth disease recessive intermediate C. Last evaluated: 2021-12-10. Review status: criteria provided, single submitter. Criteria: Invitae Variant Classification Sherloc (09022015). Collection method: clinical testing. Allele origin: germline.
Comment: This sequence change replaces tyrosine, which is neutral and polar, with cysteine, which is neutral and slightly polar, at codon 548 of the PLEKHG5 protein (p.Tyr548Cys). This variant is present in population databases (rs749530565, gnomAD 0.01%). This variant has not been reported in the literature in individuals affected with PLEKHG5-related conditions. Algorithms developed to predict the effect of missense changes on protein structure and function are either unavailable or do not agree on the potential impact of this missense change (SIFT: "Deleterious"; PolyPhen-2: "Benign"; Align-GVGD: "Class C0"). In summary, the available evidence is currently insufficient to determine the role of this variant in disease. Therefore, it has been classified as a Variant of Uncertain Significance.

NM_020631.6(PLEKHG5):c.1643A>G (p.Tyr548Cys)

Gene: PLEKHG5 (pleckstrin homology and RhoGEF domain containing G5; minus strand). Cytogenetic location: 1p36.31.
Variant type: single nucleotide variant.
Coding change: c.1643A>G on transcript NM_020631.6 (MANE Select); coding-DNA position 1643, A replaced by G.
Protein change: p.Tyr548Cys; replaces tyrosine 548 with cysteine.
Molecular consequence: missense variant.
Genome position (GRCh38, 1-based): chr1:6,470,543, T>C on the plus strand (A>G on the coding strand, the complement: PLEKHG5 is on the minus strand). VCF-style: chr1-6470543-T-C. GRCh37 (hg19) VCF-style: chr1-6530603-T-C.
Other names: c.1754A>G, p.Tyr585Cys (NM_001042663.3, NM_001265592.2); c.1643A>G, p.Tyr548Cys (NM_001042664.2, NM_001042665.2, NM_001265594.3 and 1 more transcripts); c.1850A>G, p.Tyr617Cys (NM_001265593.2); short protein forms Y585C, Y617C, Y548C.
Identifiers: ClinVar variation 1434626 (VCV001434626.3), dbSNP rs749530565, ClinGen allele CA561439.